The following is an entry in ClinVar:

ClinVar aggregate classification (germline): Pathogenic. Review status: criteria provided, single submitter (1 of 4 stars). 2 submissions from 2 submitters: Pathogenic (1). 1 of the submissions does not count toward it. Last evaluated 2023-02-10.

Conditions:
Bardet-Biedl syndrome (BBS). Identifiers: Orphanet 110, MedGen C0752166, MONDO:0015229.
Bardet-Biedl syndrome 5 (BBS5). Identifiers: Orphanet 110, MedGen C3892039, MONDO:0014434, OMIM 615983.

gnomAD v4.1: 19 of 1,611,488 alleles (0.0012%); highest among the groups gnomAD compares: Non-Finnish European, 0.0016%; no homozygotes.

Submissions (2):

Labcorp Genetics (formerly Invitae), Labcorp
Classification: Pathogenic for Bardet-Biedl syndrome. Last evaluated: 2023-02-10. Review status: criteria provided, single submitter. Criteria: Invitae Variant Classification Sherloc (09022015). Collection method: clinical testing. Allele origin: germline.
Comment: This sequence change creates a premature translational stop signal (p.Trp59*) in the BBS5 gene. It is expected to result in an absent or disrupted protein product. Loss-of-function variants in BBS5 are known to be pathogenic (PMID: 15137946, 16877420, 26325687, 27708425, 28041643, 29806606). This variant is present in population databases (no rsID available, gnomAD 0.003%). This premature translational stop signal has been observed in individual(s) with Bardet-Biedl syndrome (PMID: 15137946). ClinVar contains an entry for this variant (Variation ID: 6160). For these reasons, this variant has been classified as Pathogenic.

OMIM
Classification: Pathogenic for BARDET-BIEDL SYNDROME 5. Last evaluated: 2004-05-14. Review status: no assertion criteria provided. Collection method: literature only. Allele origin: germline. Not counted in ClinVar's aggregate classification.

Literature cited by the submitters: PubMed 15137946 (cited by Labcorp Genetics (formerly Invitae), Labcorp and OMIM); PubMed 16877420 (cited by Labcorp Genetics (formerly Invitae), Labcorp); PubMed 26325687 (cited by Labcorp Genetics (formerly Invitae), Labcorp); PubMed 27708425 (cited by Labcorp Genetics (formerly Invitae), Labcorp); PubMed 28041643 (cited by Labcorp Genetics (formerly Invitae), Labcorp); PubMed 29806606 (cited by Labcorp Genetics (formerly Invitae), Labcorp).

NM_152384.3(BBS5):c.177G>A (p.Trp59Ter)

Gene: BBS5 (Bardet-Biedl syndrome 5; plus strand). Cytogenetic location: 2q31.1.
Variant type: single nucleotide variant.
Coding change: c.177G>A on transcript NM_152384.3 (MANE Select); coding-DNA position 177, G replaced by A.
Protein change: p.Trp59Ter; replaces tryptophan 59 with a stop codon.
Molecular consequence: nonsense.
Genome position (GRCh38, 1-based): chr2:169,487,103, G>A. VCF-style: chr2-169487103-G-A. GRCh37 (hg19) VCF-style: chr2-170343613-G-A.
Other names: short protein forms W59*.
Identifiers: ClinVar variation 6160 (VCV000006160.4), dbSNP rs767221160, ClinGen allele CA59929675.